The following is an entry in ClinVar:

NM_198576.4(AGRN):c.4420A>T (p.Thr1474Ser)

Gene: AGRN (agrin; plus strand). Cytogenetic location: 1p36.33.
Variant type: single nucleotide variant.
Coding change: c.4420A>T on transcript NM_198576.4 (MANE Select); coding-DNA position 4420, A replaced by T.
Protein change: p.Thr1474Ser; replaces threonine 1474 with serine.
Molecular consequence: missense variant.
Genome position (GRCh38, 1-based): chr1:1,049,357, A>T. VCF-style: chr1-1049357-A-T. GRCh37 (hg19) VCF-style: chr1-984737-A-T.
Other names: c.4420A>T, p.Thr1474Ser (NM_001305275.2); c.4105A>T, p.Thr1369Ser (NM_001364727.2); short protein forms T1369S, T1474S.
Identifiers: ClinVar variation 1951544 (VCV001951544.5), dbSNP rs1452412157, ClinGen allele CA337777301.

ClinVar aggregate classification (germline): Uncertain significance (1 of 4 stars; one submission).

Conditions:
Congenital myasthenic syndrome 8. Also called: Myasthenic syndrome, congenital, 8, with pre- and postsynaptic defects; MYASTHENIC SYNDROME, CONGENITAL, DUE TO AGRIN DEFICIENCY. Identifiers: Orphanet 590, MedGen C3808739, MONDO:0014052, OMIM 615120.

Allele frequency attached by ClinVar (database versions not stated): gnomAD exomes below 0.00001.
gnomAD v4.1: 1 of 1,596,138 alleles (0.000063%); highest among the groups gnomAD compares: Admixed American, 0.0017%; no homozygotes.

Submission:

Labcorp Genetics (formerly Invitae), Labcorp
Classification: Uncertain significance for Congenital myasthenic syndrome 8. Last evaluated: 2022-02-28. Review status: criteria provided, single submitter. Criteria: Invitae Variant Classification Sherloc (09022015). Collection method: clinical testing. Allele origin: germline.
Comment: This sequence change replaces threonine, which is neutral and polar, with serine, which is neutral and polar, at codon 1474 of the AGRN protein (p.Thr1474Ser). This variant is present in population databases (no rsID available, gnomAD 0.003%). This variant has not been reported in the literature in individuals affected with AGRN-related conditions. Algorithms developed to predict the effect of missense changes on protein structure and function output the following: SIFT: "Tolerated"; PolyPhen-2: "Benign"; Align-GVGD: "Class C0". The serine amino acid residue is found in multiple mammalian species, which suggests that this missense change does not adversely affect protein function. Algorithms developed to predict the effect of sequence changes on RNA splicing suggest that this variant may create or strengthen a splice site. In summary, the available evidence is currently insufficient to determine the role of this variant in disease. Therefore, it has been classified as a Variant of Uncertain Significance.